The following is an entry in ClinVar:

NM_213599.3(ANO5):c.2362G>A (p.Asp788Asn)

Gene: ANO5 (anoctamin 5; plus strand). Cytogenetic location: 11p14.3.
Variant type: single nucleotide variant.
Coding change: c.2362G>A on transcript NM_213599.3 (MANE Select); coding-DNA position 2362, G replaced by A.
Protein change: p.Asp788Asn; replaces aspartic acid 788 with asparagine.
Molecular consequence: missense variant.
Genome position (GRCh38, 1-based): chr11:22,274,695, G>A. VCF-style: chr11-22274695-G-A. GRCh37 (hg19) VCF-style: chr11-22296241-G-A.
Other names: c.2359G>A, p.Asp787Asn (NM_001142649.2); c.2320G>A, p.Asp774Asn (NM_001410963.1); c.2317G>A, p.Asp773Asn (NM_001410964.1); short protein forms D774N, D773N, D788N, D787N.
Identifiers: ClinVar variation 2931097 (VCV002931097.3), dbSNP rs779249709, ClinGen allele CA379924339.

ClinVar aggregate classification (germline): Uncertain significance (1 of 4 stars; one submission).

Conditions:
Gnathodiaphyseal dysplasia (GDD). Also called: GNATHODIAPHYSEAL SCLEROSIS; OSTEOGENESIS IMPERFECTA WITH UNUSUAL SKELETAL LESIONS. Identifiers: Orphanet 53697, MedGen C1833736, MONDO:0008151, OMIM 166260.
Autosomal recessive limb-girdle muscular dystrophy type 2L (LGMDR12). Also called: Limb-girdle muscular dystrophy, type 2L; MUSCULAR DYSTROPHY, LIMB-GIRDLE, AUTOSOMAL RECESSIVE 12; Limb-Girdle Muscular Dystrophy R12 Anoctamin-5-Related (LGMD-R12). Identifiers: Orphanet 206549, MedGen C1969785, MONDO:0012652, OMIM 611307.

gnomAD v4.1: 6 of 1,613,564 alleles (0.00037%); highest among the groups gnomAD compares: African/African-American, 0.0013%; no homozygotes.

Submission:

Labcorp Genetics (formerly Invitae), Labcorp
Classification: Uncertain significance for Autosomal recessive limb-girdle muscular dystrophy type 2L; Gnathodiaphyseal dysplasia. Last evaluated: 2023-09-04. Review status: criteria provided, single submitter. Criteria: Invitae Variant Classification Sherloc (09022015). Collection method: clinical testing. Allele origin: germline.
Comment: In summary, the available evidence is currently insufficient to determine the role of this variant in disease. Therefore, it has been classified as a Variant of Uncertain Significance. Advanced modeling of protein sequence and biophysical properties (such as structural, functional, and spatial information, amino acid conservation, physicochemical variation, residue mobility, and thermodynamic stability) has been performed at Invitae for this missense variant, however the output from this modeling did not meet the statistical confidence thresholds required to predict the impact of this variant on ANO5 protein function. This variant has not been reported in the literature in individuals affected with ANO5-related conditions. This variant is not present in population databases (gnomAD no frequency). This sequence change replaces aspartic acid, which is acidic and polar, with asparagine, which is neutral and polar, at codon 788 of the ANO5 protein (p.Asp788Asn).